The following is an entry in ClinVar:

ClinVar aggregate classification (germline): Likely pathogenic (1 of 4 stars; one submission).

Conditions:
Von Hippel-Lindau syndrome (VHLS). Also called: von Hippel–Lindau syndrome; VHL syndrome; Von Hippel-Lindau. Identifiers: Orphanet 892, MedGen C0019562, MONDO:0008667, OMIM 193300. Disease mechanism: loss of function.

Submission:

Women's Health and Genetics/Laboratory Corporation of America, LabCorp
Classification: Likely pathogenic for Von Hippel-Lindau Syndrome. Last evaluated: 2011-08-18. Review status: criteria provided, single submitter. Criteria: LabCorp Variant Classification Summary - May 2015. Collection method: curation, clinical testing. Allele origin: germline. Inheritance: autosomal unknown. Affected: yes.
ClinVar note: Converted during submission from likely pathogenic to Likely pathogenic.

p.X214Trp

Gene: VHL (von Hippel-Lindau tumor suppressor; plus strand). Cytogenetic location: 3p25.3.
Variant type: single nucleotide variant.
Identifiers: ClinVar variation 36907 (VCV000036907.3).